The following is an entry in ClinVar:

NM_002470.4(MYH3):c.572G>A (p.Arg191Gln)

Gene: MYH3 (myosin heavy chain 3; minus strand). Cytogenetic location: 17p13.1.
Variant type: single nucleotide variant.
Coding change: c.572G>A on transcript NM_002470.4 (MANE Select); coding-DNA position 572, G replaced by A.
Protein change: p.Arg191Gln; replaces arginine 191 with glutamine.
Molecular consequence: missense variant.
Genome position (GRCh38, 1-based): chr17:10,649,647, C>T on the plus strand (G>A on the coding strand, the complement: MYH3 is on the minus strand). VCF-style: chr17-10649647-C-T. GRCh37 (hg19) VCF-style: chr17-10552964-C-T.
Other names: short protein forms R191Q.
Identifiers: ClinVar variation 4800683 (VCV004800683.1).

ClinVar aggregate classification (germline): Uncertain significance (1 of 4 stars; one submission).

gnomAD v4.1: 1 of 1,614,118 alleles (0.000062%); highest among the groups gnomAD compares: Non-Finnish European, 0.000085%; no homozygotes.

Submission:

Labcorp Genetics (formerly Invitae), Labcorp
Classification: Uncertain significance. Last evaluated: 2025-10-11. Review status: criteria provided, single submitter. Criteria: Invitae Variant Classification Sherloc (09022015). Collection method: clinical testing. Allele origin: germline.
Comment: This sequence change replaces arginine, which is basic and polar, with glutamine, which is neutral and polar, at codon 191 of the MYH3 protein (p.Arg191Gln). This variant is not present in population databases (gnomAD no frequency). This variant has not been reported in the literature in individuals affected with MYH3-related conditions. Invitae Evidence Modeling of protein sequence and biophysical properties (such as structural, functional, and spatial information, amino acid conservation, physicochemical variation, residue mobility, and thermodynamic stability) indicates that this missense variant is not expected to disrupt MYH3 protein function with a negative predictive value of 95%. In summary, the available evidence is currently insufficient to determine the role of this variant in disease. Therefore, it has been classified as a Variant of Uncertain Significance.